The following is an entry in ClinVar:

ClinVar aggregate classification (germline): Uncertain significance. Review status: criteria provided, multiple submitters, no conflicts (2 of 4 stars). 2 submissions from 2 submitters: Uncertain significance (2). Last evaluated 2023-01-11.

Allele frequency attached by ClinVar (database versions not stated): gnomAD exomes below 0.00001.
gnomAD v4.1: 3 of 1,608,806 alleles (0.00019%); highest among the groups gnomAD compares: Non-Finnish European, 0.00026%; no homozygotes.

Submissions (2):

GeneDx
Classification: Uncertain significance. Last evaluated: 2023-01-11. Review status: criteria provided, single submitter. Criteria: GeneDx Variant Classification Process June 2021. Collection method: clinical testing. Allele origin: germline. Affected: yes.
Comment: Not observed at significant frequency in large population cohorts (gnomAD); In silico analysis supports that this missense variant has a deleterious effect on protein structure/function; Has not been previously published as pathogenic or benign to our knowledge

Labcorp Genetics (formerly Invitae), Labcorp
Classification: Uncertain significance. Last evaluated: 2022-04-16. Review status: criteria provided, single submitter. Criteria: Invitae Variant Classification Sherloc (09022015). Collection method: clinical testing. Allele origin: germline.
Comment: This sequence change replaces tryptophan, which is neutral and slightly polar, with arginine, which is basic and polar, at codon 273 of the GHRHR protein (p.Trp273Arg). This variant is present in population databases (no rsID available, gnomAD 0.0009%). This variant has not been reported in the literature in individuals affected with GHRHR-related conditions. Algorithms developed to predict the effect of missense changes on protein structure and function (SIFT, PolyPhen-2, Align-GVGD) all suggest that this variant is likely to be disruptive. In summary, the available evidence is currently insufficient to determine the role of this variant in disease. Therefore, it has been classified as a Variant of Uncertain Significance.

NM_000823.4(GHRHR):c.817T>C (p.Trp273Arg)

Gene: GHRHR (growth hormone releasing hormone receptor; plus strand). Cytogenetic location: 7p14.3.
Variant type: single nucleotide variant.
Coding change: c.817T>C on transcript NM_000823.4 (MANE Select); coding-DNA position 817, T replaced by C.
Protein change: p.Trp273Arg; replaces tryptophan 273 with arginine.
Molecular consequence: missense variant.
Genome position (GRCh38, 1-based): chr7:30,974,975, T>C. VCF-style: chr7-30974975-T-C. GRCh37 (hg19) VCF-style: chr7-31014590-T-C.
Other names: c.817T>C (NM_000823.3); short protein forms W273R.
Identifiers: ClinVar variation 2049108 (VCV002049108.2), dbSNP rs1250709814, ClinGen allele CA367155122.